The following is an entry in ClinVar:

NM_024809.5(TCTN2):c.565-2A>T

Gene: TCTN2 (tectonic family member 2; plus strand). Cytogenetic location: 12q24.31.
Variant type: single nucleotide variant.
Coding change: c.565-2A>T on transcript NM_024809.5 (MANE Select); the canonical splice acceptor site of the intron before coding-DNA position 565, A replaced by T.
Molecular consequence: splice acceptor variant.
Genome position (GRCh38, 1-based): chr12:123,686,834, A>T. VCF-style: chr12-123686834-A-T. GRCh37 (hg19) VCF-style: chr12-124171381-A-T.
Other names: c.565-2A>T (NM_001410989.1); c.562-2A>T (NM_001143850.3).
Identifiers: ClinVar variation 429609 (VCV000429609.2), dbSNP rs1131691491, ClinGen allele CA387161260.

ClinVar aggregate classification (germline): Likely pathogenic (1 of 4 stars; one submission).

Allele frequency attached by ClinVar (database versions not stated): TOPMed below 0.00001.

Submission:

GeneDx
Classification: Likely pathogenic. Last evaluated: 2017-05-08. Review status: criteria provided, single submitter. Criteria: GeneDx Variant Classification (06012015). Collection method: clinical testing. Allele origin: germline. Affected: yes.
Comment: The c.565-2A>T variant in the TCTN2 gene has not been reported previously as a pathogenic variant, nor as a benign variant, to our knowledge. This splice site variant destroys the canonical splice acceptor site in intron 5. It is predicted to cause abnormal gene splicing, either leading to an abnormal message that is subject to nonsense-mediated mRNA decay, or to an abnormal protein product if the message is used for protein translation. The c.565-2A>T variant is not observed in large population cohorts (Lek et al., 2016; 1000 Genomes Consortium et al., 2015; Exome Variant Server). We interpret c.565-2A>T as a likely pathogenic variant.